The following is an entry in ClinVar:

ClinVar aggregate classification (germline): Pathogenic (1 of 4 stars; one submission).

Conditions:
X-linked severe combined immunodeficiency (SCIDX1). Also called: T-B+ severe combined immunodeficiency due to gamma chain deficiency; IMMUNODEFICIENCY 4; SCID, X-LINKED; SEVERE COMBINED IMMUNODEFICIENCY, X-LINKED, T CELL-NEGATIVE, B CELL-POSITIVE, NK CELL-NEGATIVE; X-Linked Combined Immunodeficiency Diseases. Identifiers: Orphanet 276, MedGen C6022468, MONDO:0010315, OMIM 300400. Disease mechanism: loss of function.

Submission:

Myriad Genetics, Inc.
Classification: Pathogenic for X-linked severe combined immunodeficiency. Last evaluated: 2023-09-09. Review status: criteria provided, single submitter. Criteria: Myriad Autosomal Dominant, Autosomal Recessive and X-Linked Classification Criteria (2023). Collection method: clinical testing. Allele origin: unknown.
Comment: NM_000206.2(IL2RG):c.490_491ins19(K164Rfs*4) is expected to be pathogenic in the context of X-linked severe combined immunodeficiency. This variant is predicted to lead to an abnormal or absent protein product due to the creation of a premature termination codon in IL2RG, a gene where loss-of-function variants are known to be pathogenic. Please note: this variant was assessed in the context of healthy population screening.

NM_000206.3(IL2RG):c.490_491insGATGTGTATAAGAGACAGT (p.Lys164delinsArgCysValTer)

Gene: IL2RG (interleukin 2 receptor subunit gamma; minus strand). Cytogenetic location: Xq13.1.
Variant type: Insertion.
Coding change: c.490_491insGATGTGTATAAGAGACAGT on transcript NM_000206.3 (MANE Select); coding-DNA positions 490 to 491, GATGTGTATAAGAGACAGT inserted.
Protein change: p.Lys164delinsArgCysValTer.
Molecular consequence: nonsense.
Genome position: GRCh38 VCF-style: chrX-71110259-T-TACTGTCTCTTATACACATC. GRCh37 (hg19) VCF-style: chrX-70330109-T-TACTGTCTCTTATACACATC.
Other names: c.490_491insGATGTGTATAAGAGACAGT, p.Lys164delinsArgCysValTer (NM_001438870.1).
Identifiers: ClinVar variation 5011616 (VCV005011616.1).